The following is an entry in ClinVar:

NM_000256.3(MYBPC3):c.3728C>G (p.Pro1243Arg)

Gene: MYBPC3 (myosin binding protein C3; minus strand). Cytogenetic location: 11p11.2.
Variant type: single nucleotide variant.
Coding change: c.3728C>G on transcript NM_000256.3 (MANE Select); coding-DNA position 3728, C replaced by G.
Protein change: p.Pro1243Arg; replaces proline 1243 with arginine.
Molecular consequence: missense variant.
Genome position (GRCh38, 1-based): chr11:47,332,158, G>C on the plus strand (C>G on the coding strand, the complement: MYBPC3 is on the minus strand). VCF-style: chr11-47332158-G-C. GRCh37 (hg19) VCF-style: chr11-47353709-G-C.
Other names: c.3728C>G, p.Pro1243Arg (LRG_386t1); short protein forms P1243R.
Identifiers: ClinVar variation 217829 (VCV000217829.3), dbSNP rs863225266, ClinGen allele CA279610.

ClinVar aggregate classification (germline): Uncertain significance. Review status: criteria provided, multiple submitters, no conflicts (2 of 4 stars). 2 submissions from 2 submitters: Uncertain significance (2). Last evaluated 2024-09-23.

Conditions:
Hypertrophic cardiomyopathy 1 (CMH1). Also called: Familial hypertrophic cardiomyopathy 1; MYH7-Related Familial Hypertrophic Cardiomyopathy. Identifiers: MedGen C3495498, MONDO:0008647, OMIM 192600.
Hypertrophic cardiomyopathy. Also called: HYPERTROPHIC MYOCARDIOPATHY. Identifiers: Orphanet 217569, MedGen C0007194, MeSH D002312, MONDO:0005045, HP:0001639.

Submissions (2):

All of Us Research Program, National Institutes of Health
Classification: Uncertain significance for Hypertrophic cardiomyopathy. Last evaluated: 2024-09-23. Review status: criteria provided, single submitter. Criteria: ACMG Guidelines, 2015. Collection method: clinical testing. Allele origin: germline. Inheritance: Autosomal dominant inheritance. Observed: 1 variant allele, 1 heterozygote.
Comment: This study involves interpretation of variants in research participants for the purpose of population health screening. Participant phenotype was not available at the time of variant classification. Additional details can be found in publication PMID: 35346344, PMCID: PMC8962531

Agnes Ginges Centre for Molecular Cardiology, Centenary Institute
Classification: Uncertain significance for Hypertrophic cardiomyopathy 1. Last evaluated: 2015-07-27. Review status: criteria provided, single submitter. Criteria: Agnes Ginges Centre for Molecular Cardiology criteria (2015). Collection method: research. Allele origin: germline. Inheritance: Autosomal dominant inheritance. Affected: yes.
Comment: The MYBPC3 Pro1243Arg is a a novel variant. It is absent from both the 1000 genomes project, as well as the Exome Aggregation Consortium dataset. Computational tools SIFT, MutationTaster, and PolyPhen-2 predict this variant to have a deleterious effect, but no prediction is called by PolyPhen-HCM. In summary, based on rarity in general populations, no other finding reports, and the limited familial data, we classify MYBPC3 Pro1243Arg as a variant "uncertain significance".